The following is an entry in ClinVar:

ClinVar aggregate classification (germline): Uncertain significance (1 of 4 stars; one submission).

Submission:

ISCA site 17
Classification: Uncertain significance. Last evaluated: 2011-08-12. Review status: criteria provided, single submitter. Criteria: Kaminsky et al. (Genet Med. 2011). Collection method: clinical testing. Allele origin: unknown. Affected: yes. Observed: 1 variant allele.
Comment: Copy number variation identified through the course of routine clinical cytogenomic testing in postnatal populations. Clinical assertions have been curated as described in Kaminsky et al. 2011.

GRCh38/hg38 12q24.21-24.22(chr12:116028938-117300100)x3

Genes: FBXO21 (F-box protein 21; minus strand), FBXW8 (F-box and WD repeat domain containing 8; plus strand), HRK (harakiri, BCL2 interacting protein; minus strand), LINC00173 (long intergenic non-protein coding RNA 173; plus strand), LINC03088 (long intergenic non-protein coding RNA 3088; plus strand) and 59 more. Cytogenetic location: 12q24.21-24.22.
Variant type: copy number gain.
Change: copy number 3 (three copies instead of two) of chr12:116,028,938-117,300,100 (1.27 Mb, GRCh38 coordinates, 1-based), cytogenetic band 12q24.21-24.22.
Identifiers: ClinVar variation 58231 (VCV000058231.1).